The following is an entry in ClinVar:

NM_000540.3(RYR1):c.7784_7791del (p.Leu2595fs)

Gene: RYR1 (ryanodine receptor 1; plus strand). Cytogenetic location: 19q13.2.
Variant type: Deletion.
Coding change: c.7784_7791del on transcript NM_000540.3 (MANE Select); coding-DNA positions 7784 to 7791, 8 bases deleted (TCACCAAG; older notation c.7784_7791delTCACCAAG).
Protein change: p.Leu2595fs; shifts the reading frame from leucine 2595.
Molecular consequence: frameshift variant.
Genome position (GRCh38, 1-based): chr19:38,502,676-38,502,683, TCACCAAG deleted. VCF-style (leftmost placement, unchanged base first): chr19-38502675-CTCACCAAG-C. GRCh37 (hg19) VCF-style: chr19-38993315-CTCACCAAG-C.
Other names: c.7784_7791delTCACCAAG (NM_000540.2); c.7784_7791del, p.Leu2595fs (NM_001042723.2); short protein forms L2595fs.
Identifiers: ClinVar variation 657538 (VCV000657538.8), dbSNP rs1600832922, ClinGen allele CA915952998.
Genomic context (GRCh38, chr19:38,502,675, plus strand): 5'-CGCGCCATCATGGTGGACTCTATGCTGCATACCGTGTACCGCCTGTCTCGGGGTCGTTCG[CTCACCAAG>C]GCGCAGCGTGACGTCATCGAGGACTGCCTCATGTCGCTCTGCAGGTGGAGCGGGGCAGGC-3'

ClinVar aggregate classification (germline): Pathogenic (1 of 4 stars; one submission).

Conditions:
RYR1-related disorder. Also called: RYR1-related disorders; RYR1-related condition. Identifiers: MedGen CN239331.

Allele frequency attached by ClinVar (database versions not stated): gnomAD exomes below 0.00001.

Submission:

Labcorp Genetics (formerly Invitae), Labcorp
Classification: Pathogenic for RYR1-related disorder. Last evaluated: 2025-07-01. Review status: criteria provided, single submitter. Criteria: Invitae Variant Classification Sherloc (09022015). Collection method: clinical testing. Allele origin: germline.
Comment: This sequence change creates a premature translational stop signal (p.Leu2595Argfs*4) in the RYR1 gene. It is expected to result in an absent or disrupted protein product. Loss-of-function variants in RYR1 are known to be pathogenic (PMID: 23919265, 25960145, 28818389, 30611313). This variant is not present in population databases (gnomAD no frequency). This variant has not been reported in the literature in individuals affected with RYR1-related conditions. ClinVar contains an entry for this variant (Variation ID: 657538). For these reasons, this variant has been classified as Pathogenic.

Literature cited by the submitters: PubMed 23919265; PubMed 25960145; PubMed 28818389; PubMed 30611313.